The following is an entry in ClinVar:

ClinVar aggregate classification (germline): Uncertain significance. Review status: criteria provided, multiple submitters, no conflicts (2 of 4 stars). 2 submissions from 2 submitters: Uncertain significance (2). Last evaluated 2024-09-08.

Conditions:
CENPE-related disorder. Also called: CENPE-related condition.

Allele frequency attached by ClinVar (database versions not stated): gnomAD 0.00003; gnomAD exomes 0.00004; TOPMed 0.00004; ExAC 0.00005.
gnomAD v4.1: 58 of 1,572,406 alleles (0.0037%); highest among the groups gnomAD compares: Middle Eastern, 0.033%; no homozygotes.

Submissions (2):

Ambry Genetics
Classification: Uncertain significance. Last evaluated: 2024-09-08. Review status: criteria provided, single submitter. Criteria: Ambry Variant Classification Scheme 2023. Collection method: clinical testing. Allele origin: germline.

PreventionGenetics, part of Exact Sciences
Classification: Uncertain significance for CENPE-related condition. Last evaluated: 2023-02-06. Review status: criteria provided, single submitter. Criteria: ACMG Guidelines, 2015. Collection method: clinical testing. Allele origin: germline.
Comment: The CENPE c.6779A>G variant is predicted to result in the amino acid substitution p.Gln2260Arg. To our knowledge, this variant has not been reported in the literature. This variant is reported in 0.029% of alleles in individuals of Latino descent in gnomAD. At this time, the clinical significance of this variant is uncertain due to the absence of conclusive functional and genetic evidence.

NM_001813.3(CENPE):c.6779A>G (p.Gln2260Arg)

Gene: CENPE (centromere protein E; minus strand). Cytogenetic location: 4q24.
Variant type: single nucleotide variant.
Coding change: c.6779A>G on transcript NM_001813.3 (MANE Select); coding-DNA position 6779, A replaced by G.
Protein change: p.Gln2260Arg; replaces glutamine 2260 with arginine.
Molecular consequence: missense variant.
Genome position (GRCh38, 1-based): chr4:103,132,838, T>C on the plus strand (A>G on the coding strand, the complement: CENPE is on the minus strand). VCF-style: chr4-103132838-T-C. GRCh37 (hg19) VCF-style: chr4-104053995-T-C.
Other names: c.6416A>G, p.Gln2139Arg (NM_001286734.2); short protein forms Q2139R, Q2260R.
Identifiers: ClinVar variation 2393196 (VCV002393196.4), dbSNP rs752063990, ClinGen allele CA3029294.
Genomic context (GRCh38, chr4:103,132,838, plus strand): 5'-AAACGAGTATTTAACCACTCTTCCAAAAACTGTGTCATTTCTTTCCTATTACTTAGTACT[T>C]GTTGAAATTCAGTCTTTATGCTAGGGAACTCACTTTCTGAGAAATCTTTGAGAATTTCCT-3'
Protein context (NP_001804.2, residues 2250-2270): EFPSIKTEFQ[Gln2260Arg]VLSNRKEMTQ